The following is an entry in ClinVar:

NM_022124.6(CDH23):c.8737A>T (p.Ile2913Phe)

Gene: CDH23 (cadherin related 23; plus strand). Cytogenetic location: 10q22.1.
Variant type: single nucleotide variant.
Coding change: c.8737A>T on transcript NM_022124.6 (MANE Select); coding-DNA position 8737, A replaced by T.
Protein change: p.Ile2913Phe; replaces isoleucine 2913 with phenylalanine.
Molecular consequence: missense variant.
Genome position (GRCh38, 1-based): chr10:71,809,834, A>T. VCF-style: chr10-71809834-A-T. GRCh37 (hg19) VCF-style: chr10-73569591-A-T.
Other names: c.2017A>T, p.Ile673Phe (NM_001171933.1, NM_001171934.1); short protein forms I2913F, I673F.
Identifiers: ClinVar variation 1447603 (VCV001447603.5), dbSNP rs368317741, ClinGen allele CA209439031.

ClinVar aggregate classification (germline): Uncertain significance (1 of 4 stars; one submission).

Allele frequency attached by ClinVar (database versions not stated): gnomAD 0.00003; gnomAD exomes below 0.00001; TOPMed 0.00001; ESP Exome Variant Server 0.00008.
gnomAD v4.1: 6 of 1,612,464 alleles (0.00037%); highest among the groups gnomAD compares: Admixed American, 0.0017%; no homozygotes.

Submission:

Labcorp Genetics (formerly Invitae), Labcorp
Classification: Uncertain significance. Last evaluated: 2021-08-24. Review status: criteria provided, single submitter. Criteria: Invitae Variant Classification Sherloc (09022015). Collection method: clinical testing. Allele origin: germline.
Comment: This sequence change replaces isoleucine with phenylalanine at codon 2913 of the CDH23 protein (p.Ile2913Phe). The isoleucine residue is highly conserved and there is a small physicochemical difference between isoleucine and phenylalanine. This variant is not present in population databases (ExAC no frequency). This variant has not been reported in the literature in individuals affected with CDH23-related conditions. Algorithms developed to predict the effect of missense changes on protein structure and function are either unavailable or do not agree on the potential impact of this missense change (SIFT: "Deleterious"; PolyPhen-2: "Not Available"; Align-GVGD: "Class C0"). In summary, the available evidence is currently insufficient to determine the role of this variant in disease. Therefore, it has been classified as a Variant of Uncertain Significance.